The following is an entry in ClinVar:

NM_005359.6(SMAD4):c.72G>A (p.Met24Ile)

Gene: SMAD4 (SMAD family member 4; plus strand). Cytogenetic location: 18q21.2.
Variant type: single nucleotide variant.
Coding change: c.72G>A on transcript NM_005359.6 (MANE Select); coding-DNA position 72, G replaced by A.
Protein change: p.Met24Ile; replaces methionine 24 with isoleucine.
Molecular consequence: missense variant. On other transcripts: non-coding transcript variant (2).
Genome position (GRCh38, 1-based): chr18:51,047,118, G>A. VCF-style: chr18-51047118-G-A. GRCh37 (hg19) VCF-style: chr18-48573488-G-A.
Other names: c.72G>A, p.Met24Ile (NM_001407041.1, NM_001407042.1, NM_001407043.1); short protein forms M24I.
Identifiers: ClinVar variation 2774520 (VCV002774520.6), dbSNP rs2144400716, ClinGen allele CA402457492.

ClinVar aggregate classification (germline): Uncertain significance. Review status: criteria provided, multiple submitters, no conflicts (2 of 4 stars). 3 submissions from 3 submitters: Uncertain significance (3). Last evaluated 2024-08-13.

Conditions:
Hereditary cancer-predisposing syndrome. Also called: Hereditary Cancer Syndrome; Hereditary neoplastic syndrome; Tumor predisposition; Neoplastic Syndromes, Hereditary. Identifiers: Orphanet 140162, MedGen C0027672, MeSH D009386, MONDO:0015356.
Familial thoracic aortic aneurysm and aortic dissection (TAAD). Also called: Thoracic aortic aneurysms and dissections. Identifiers: Orphanet 91387, MedGen C4707243, MONDO:0019625.
Juvenile polyposis syndrome (JPS). Identifiers: Orphanet 2929, MedGen C0345893, MONDO:0017380, OMIM 174900.

Submissions (3):

Labcorp Genetics (formerly Invitae), Labcorp
Classification: Uncertain significance for Juvenile polyposis syndrome. Last evaluated: 2024-08-13. Review status: criteria provided, single submitter. Criteria: Invitae Variant Classification Sherloc (09022015). Collection method: clinical testing. Allele origin: germline.
Comment: This sequence change replaces methionine, which is neutral and non-polar, with isoleucine, which is neutral and non-polar, at codon 24 of the SMAD4 protein (p.Met24Ile). This variant is not present in population databases (gnomAD no frequency). This variant has not been reported in the literature in individuals affected with SMAD4-related conditions. Advanced modeling of protein sequence and biophysical properties (such as structural, functional, and spatial information, amino acid conservation, physicochemical variation, residue mobility, and thermodynamic stability) has been performed at Invitae for this missense variant, however the output from this modeling did not meet the statistical confidence thresholds required to predict the impact of this variant on SMAD4 protein function. In summary, the available evidence is currently insufficient to determine the role of this variant in disease. Therefore, it has been classified as a Variant of Uncertain Significance.

Ambry Genetics
Classification: Uncertain significance for Hereditary cancer-predisposing syndrome; Familial thoracic aortic aneurysm and aortic dissection. Last evaluated: 2024-07-28. Review status: criteria provided, single submitter. Criteria: Ambry Variant Classification Scheme 2023. Collection method: clinical testing. Allele origin: germline.
Comment: The p.M24I variant (also known as c.72G>A), located in coding exon 1 of the SMAD4 gene, results from a G to A substitution at nucleotide position 72. The methionine at codon 24 is replaced by isoleucine, an amino acid with highly similar properties. This amino acid position is conserved. In addition, the in silico prediction for this alteration is inconclusive. Based on the available evidence, the clinical significance of this variant remains unclear.

Color Diagnostics, LLC DBA Color Health
Classification: Uncertain significance for Hereditary cancer-predisposing syndrome. Last evaluated: 2024-03-07. Review status: criteria provided, single submitter. Criteria: ACMG Guidelines, 2015. Collection method: clinical testing. Allele origin: germline.
Comment: This missense variant replaces methionine with isoleucine at codon 24 of the SMAD4 protein. Computational prediction is inconclusive regarding the impact of this variant on protein structure and function (internally defined REVEL score threshold 0.5 < inconclusive < 0.7, PMID: 27666373). To our knowledge, functional studies have not been reported for this variant. This variant has not been reported in individuals affected with hereditary cancer in the literature. This variant has not been identified in the general population by the Genome Aggregation Database (gnomAD). The available evidence is insufficient to determine the role of this variant in disease conclusively. Therefore, this variant is classified as a Variant of Uncertain Significance.